The following is an entry in ClinVar:

NM_001048174.2(MUTYH):c.1129C>T (p.Pro377Ser)

Gene: MUTYH (mutY DNA glycosylase; minus strand). Cytogenetic location: 1p34.1.
Variant type: single nucleotide variant.
Coding change: c.1129C>T on transcript NM_001048174.2 (MANE Select); coding-DNA position 1129, C replaced by T.
Protein change: p.Pro377Ser; replaces proline 377 with serine.
Molecular consequence: missense variant. On other transcripts: non-coding transcript variant (2).
Genome position (GRCh38, 1-based): chr1:45,331,530, G>A on the plus strand (C>T on the coding strand, the complement: MUTYH is on the minus strand). VCF-style: chr1-45331530-G-A. GRCh37 (hg19) VCF-style: chr1-45797202-G-A.
Other names: P391S; c.1129C>T, p.Pro377Ser (NM_001048171.2, NM_001048173.2, NM_001293195.2); c.1132C>T, p.Pro378Ser (NM_001048172.2); c.1213C>T, p.Pro405Ser (NM_001128425.2); c.1174C>T, p.Pro392Ser (NM_001293190.2); c.1162C>T, p.Pro388Ser (NM_001293191.2); c.853C>T, p.Pro285Ser (NM_001293192.2, NM_001293196.2); c.784C>T, p.Pro262Ser (NM_001350650.2, NM_001350651.2); and 1 more; short protein forms P405S, P378S, P392S, P402S, P262S, P285S, P377S, P388S.
Identifiers: ClinVar variation 5298 (VCV000005298.8), dbSNP rs121908382, ClinGen allele CA011572.

ClinVar aggregate classification (germline): Uncertain significance. Review status: criteria provided, single submitter (1 of 4 stars). 2 submissions from 2 submitters: Uncertain significance (1). 1 of the submissions does not count toward it. Last evaluated 2021-10-07.

Conditions:
Gastric cancer. Also called: Stomach cancer; Malignant tumor of stomach. Identifiers: MedGen C0024623, MeSH D013274, MONDO:0001056, OMIM 613659, HP:0012126.
Familial adenomatous polyposis 2. Also called: MUTYH Polyposis; Adenomas, multiple colorectal; MUTYH-related attenuated familial adenomatous polyposis; FAP type 2; MYH-associated polyposis; MUTYH-associated polyposis. Identifiers: Orphanet 220460, Orphanet 247798, MedGen C3272841, MONDO:0012041, OMIM 608456.

Submissions (2):

Labcorp Genetics (formerly Invitae), Labcorp
Classification: Uncertain significance for Familial adenomatous polyposis 2. Last evaluated: 2021-10-07. Review status: criteria provided, single submitter. Criteria: Invitae Variant Classification Sherloc (09022015). Collection method: clinical testing. Allele origin: germline.
Comment: In summary, the available evidence is currently insufficient to determine the role of this variant in disease. Therefore, it has been classified as a Variant of Uncertain Significance. This variant disrupts the p.Pro405 amino acid residue in MUTYH. Other variant(s) that disrupt this residue have been determined to be pathogenic (PMID: 16140997, 16557584, 16616356, 19732775, 19836313, 25820570). This suggests that this residue is clinically significant, and that variants that disrupt this residue are likely to be disease-causing. Experimental studies have shown that this missense change affects MUTYH function (PMID: 25820570). Algorithms developed to predict the effect of missense changes on protein structure and function (SIFT, PolyPhen-2, Align-GVGD) all suggest that this variant is likely to be disruptive. ClinVar contains an entry for this variant (Variation ID: 5298). This variant has not been reported in the literature in individuals affected with MUTYH-related conditions. This variant is not present in population databases (ExAC no frequency). This sequence change replaces proline with serine at codon 405 of the MUTYH protein (p.Pro405Ser). The proline residue is highly conserved and there is a moderate physicochemical difference between proline and serine.

OMIM
Classification: Pathogenic for GASTRIC CANCER, SOMATIC. Last evaluated: 2004-09-02. Review status: no assertion criteria provided. Collection method: literature only. Allele origin: somatic. Not counted in ClinVar's aggregate classification.

Literature cited by the submitters: PubMed 16140997 (cited by Labcorp Genetics (formerly Invitae), Labcorp); PubMed 16557584 (cited by Labcorp Genetics (formerly Invitae), Labcorp); PubMed 16616356 (cited by Labcorp Genetics (formerly Invitae), Labcorp); PubMed 19732775 (cited by Labcorp Genetics (formerly Invitae), Labcorp); PubMed 19836313 (cited by Labcorp Genetics (formerly Invitae), Labcorp); PubMed 25820570 (cited by Labcorp Genetics (formerly Invitae), Labcorp); PubMed 15273732 (cited by OMIM).